The following is an entry in ClinVar:

NM_001692.4(ATP6V1B1):c.1115A>G (p.Tyr372Cys)

Gene: ATP6V1B1 (ATPase H+ transporting V1 subunit B1; plus strand). Cytogenetic location: 2p13.3.
Variant type: single nucleotide variant.
Coding change: c.1115A>G on transcript NM_001692.4 (MANE Select); coding-DNA position 1115, A replaced by G.
Protein change: p.Tyr372Cys; replaces tyrosine 372 with cysteine.
Molecular consequence: missense variant.
Genome position (GRCh38, 1-based): chr2:70,963,626, A>G. VCF-style: chr2-70963626-A-G. GRCh37 (hg19) VCF-style: chr2-71190756-A-G.
Other names: c.1115A>G (NM_001692.3); short protein forms Y372C.
Identifiers: ClinVar variation 1352465 (VCV001352465.7), dbSNP rs2104832468, ClinGen allele CA347187245.

ClinVar aggregate classification (germline): Uncertain significance. Review status: criteria provided, multiple submitters, no conflicts (2 of 4 stars). 3 submissions from 3 submitters: Uncertain significance (3). Last evaluated 2024-06-18.

Conditions:
Renal tubular acidosis with progressive nerve deafness. Also called: Distal Renal Tubular Acidosis with Progressive Sensorineural Deafness; renal tubular acidosis, distal, 2, with progressive sensorineural hearing loss; RENAL TUBULAR ACIDOSIS, AUTOSOMAL RECESSIVE, WITH PROGRESSIVE NERVE DEAFNESS; RTA WITH PROGRESSIVE NERVE DEAFNESS. Identifiers: MedGen C0403554, MONDO:0009968, OMIM 267300.

Submissions (3):

Fulgent Genetics
Classification: Uncertain significance for Renal tubular acidosis with progressive nerve deafness. Last evaluated: 2024-06-18. Review status: criteria provided, single submitter. Criteria: ACMG Guidelines, 2015. Collection method: clinical testing. Allele origin: germline.

Labcorp Genetics (formerly Invitae), Labcorp
Classification: Uncertain significance. Last evaluated: 2024-02-17. Review status: criteria provided, single submitter. Criteria: Invitae Variant Classification Sherloc (09022015). Collection method: clinical testing. Allele origin: germline.
Comment: This sequence change replaces tyrosine, which is neutral and polar, with cysteine, which is neutral and slightly polar, at codon 372 of the ATP6V1B1 protein (p.Tyr372Cys). This variant is not present in population databases (gnomAD no frequency). This variant has not been reported in the literature in individuals affected with ATP6V1B1-related conditions. ClinVar contains an entry for this variant (Variation ID: 1352465). Advanced modeling of protein sequence and biophysical properties (such as structural, functional, and spatial information, amino acid conservation, physicochemical variation, residue mobility, and thermodynamic stability) has been performed at Invitae for this missense variant, however the output from this modeling did not meet the statistical confidence thresholds required to predict the impact of this variant on ATP6V1B1 protein function. In summary, the available evidence is currently insufficient to determine the role of this variant in disease. Therefore, it has been classified as a Variant of Uncertain Significance.

GeneDx
Classification: Uncertain significance. Last evaluated: 2022-10-14. Review status: criteria provided, single submitter. Criteria: GeneDx Variant Classification Process June 2021. Collection method: clinical testing. Allele origin: germline. Affected: yes.
Comment: Not observed at significant frequency in large population cohorts (gnomAD); In silico analysis supports that this missense variant has a deleterious effect on protein structure/function; Has not been previously published as pathogenic or benign to our knowledge